The following is an entry in ClinVar:

NM_003079.5(SMARCE1):c.730G>A (p.Glu244Lys)

Gene: SMARCE1 (SWI/SNF related BAF chromatin remodeling complex subunit E1; minus strand). Cytogenetic location: 17q21.2.
Variant type: single nucleotide variant.
Coding change: c.730G>A on transcript NM_003079.5 (MANE Select); coding-DNA position 730, G replaced by A.
Protein change: p.Glu244Lys; replaces glutamic acid 244 with lysine.
Molecular consequence: missense variant.
Genome position (GRCh38, 1-based): chr17:40,631,678, C>T on the plus strand (G>A on the coding strand, the complement: SMARCE1 is on the minus strand). VCF-style: chr17-40631678-C-T. GRCh37 (hg19) VCF-style: chr17-38787930-C-T.
Other names: short protein forms E244K.
Identifiers: ClinVar variation 5029971 (VCV005029971.1).

ClinVar aggregate classification (germline): Uncertain significance (1 of 4 stars; one submission).

Conditions:
Hereditary cancer-predisposing syndrome. Also called: Neoplastic Syndromes, Hereditary; Tumor predisposition; Hereditary neoplastic syndrome; Hereditary Cancer Syndrome. Identifiers: Orphanet 140162, MedGen C0027672, MeSH D009386, MONDO:0015356.

Submission:

Ambry Genetics
Classification: Uncertain significance for Hereditary cancer-predisposing syndrome. Last evaluated: 2026-07-27. Review status: criteria provided, single submitter. Criteria: Ambry Variant Classification Scheme 2023. Collection method: clinical testing. Allele origin: germline.
Comment: The p.E244K variant (also known as c.730G>A), located in coding exon 8 of the SMARCE1 gene, results from a G to A substitution at nucleotide position 730. The glutamic acid at codon 244 is replaced by lysine, an amino acid with similar properties. This amino acid position is conserved. In addition, this alteration is predicted to be deleterious by in silico analysis. Based on the available evidence, the clinical significance of this variant remains unclear.